The following is an entry in ClinVar:

ClinVar aggregate classification (germline): Uncertain significance (1 of 4 stars; one submission).

Submission:

Ambry Genetics
Classification: Uncertain significance. Last evaluated: 2025-01-06. Review status: criteria provided, single submitter. Criteria: Ambry Variant Classification Scheme 2023. Collection method: clinical testing. Allele origin: germline.
Comment: The c.1613_1622del10insA variant (also known as p.L538_M541delinsQ), located in coding exon 8 of the ATRIP gene, results from an in-frame deletion of TGTTGAAGAT and insertion of A at nucleotide positions 1613 to 1622. This results in the substitution of the 4 amino residues for a glutamine residue at codons 538 to 541, an amino acid with highly similar properties. This amino acid region is not well conserved in available vertebrate species. In addition, this alteration is predicted to be deleterious by in silico analysis (Choi Y et al. PLoS ONE. 2012; 7(10):e46688). The evidence for this gene-disease relationship is limited; therefore, the clinical significance of this alteration is unclear.

NM_130384.3(ATRIP):c.1613_1622delinsA (p.Leu538_Met541delinsGln)

Genes: ATRIP (ATR interacting protein; plus strand), ATRIP-TREX1 (ATRIP-TREX1 readthrough; plus strand). Cytogenetic location: 3p21.31.
Variant type: Indel.
Coding change: c.1613_1622delinsA on transcript NM_130384.3 (MANE Select); coding-DNA positions 1613 to 1622, TGTTGAAGAT replaced by A.
Protein change: p.Leu538_Met541delinsGln.
Molecular consequence: inframe indel. On other transcripts: non-coding transcript variant (1).
Genome position (GRCh38, 1-based): chr3:48,460,667-48,460,676, TGTTGAAGAT replaced by A. VCF-style: chr3-48460667-TGTTGAAGAT-A. GRCh37 (hg19) VCF-style: chr3-48502066-TGTTGAAGAT-A.
Other names: c.1232_1241delinsA, p.Leu411_Met414delinsGln (NM_001271022.2); c.1334_1343delinsA, p.Leu445_Met448delinsGln (NM_001271023.2); c.1613_1622delinsA, p.Leu538_Met541delinsGln (NM_032166.4).
Identifiers: ClinVar variation 3808903 (VCV003808903.1).